The following is an entry in ClinVar:

NM_015175.3(NBEAL2):c.6790C>T (p.Arg2264Cys)

Gene: NBEAL2 (neurobeachin like 2; plus strand). Cytogenetic location: 3p21.31.
Variant type: single nucleotide variant.
Coding change: c.6790C>T on transcript NM_015175.3 (MANE Select); coding-DNA position 6790, C replaced by T.
Protein change: p.Arg2264Cys; replaces arginine 2264 with cysteine.
Molecular consequence: missense variant.
Genome position (GRCh38, 1-based): chr3:47,005,836, C>T. VCF-style: chr3-47005836-C-T. GRCh37 (hg19) VCF-style: chr3-47047326-C-T.
Other names: p.Arg2264Cys; c.6688C>T, p.Arg2230Cys (NM_001365116.2); short protein forms R2230C, R2264C.
Identifiers: ClinVar variation 3298614 (VCV003298614.3).
Genomic context (GRCh38, chr3:47,005,836, plus strand): 5'-GTAGGCGATGTGGTGCTACCCCCGTGGGCCAGCTCTCCTGAGGACTTCATCCAGCAGCAC[C>T]GCCAGGCTCTGGTGAGGAAGGAACCACAGGCAAACGGCAGGCAGCCGGGGTTCTGAAGAT-3'
Protein context (NP_055990.1, residues 2254-2274): SSPEDFIQQH[Arg2264Cys]QALESEYVSA

ClinVar aggregate classification (germline): Uncertain significance. Review status: criteria provided, multiple submitters, no conflicts (2 of 4 stars). 2 submissions from 2 submitters: Uncertain significance (2). Last evaluated 2025-11-16.

Conditions:
Inborn genetic diseases. Identifiers: MedGen C0950123, MeSH D030342.

gnomAD v4.1: 11 of 1,613,232 alleles (0.00068%); highest among the groups gnomAD compares: South Asian, 0.0022%; no homozygotes.

Submissions (2):

Mayo Clinic Laboratories, Mayo Clinic
Classification: Uncertain significance. Last evaluated: 2025-11-16. Review status: criteria provided, single submitter. Criteria: ACMG Guidelines, 2015. Collection method: clinical testing. Allele origin: germline. Observed: 1 variant allele.
Comment: PP3, PM2_supporting

Ambry Genetics
Classification: Uncertain significance for Inborn genetic diseases. Last evaluated: 2024-05-15. Review status: criteria provided, single submitter. Criteria: Ambry Variant Classification Scheme 2023. Collection method: clinical testing. Allele origin: germline.